The following is an entry in ClinVar:

NM_001136191.3(KANK2):c.1520+18_1520+31del

Gene: KANK2 (KN motif and ankyrin repeat domains 2; minus strand). Cytogenetic location: 19p13.2.
Variant type: Deletion.
Coding change: c.1520+18_1520+31del on transcript NM_001136191.3 (MANE Select); bases 18 to 31 of the intron after coding-DNA position 1520, 14 bases deleted (CACCCCCCACCCCA).
Molecular consequence: intron variant.
Genome position (GRCh38, 1-based): chr19:11,178,314-11,178,327, TGGGGTGGGGGGTG deleted on the plus strand (CACCCCCCACCCCA on the coding strand, the reverse complement: KANK2 is on the minus strand). VCF-style (leftmost placement, unchanged base first): chr19-11178313-ATGGGGTGGGGGGTG-A. GRCh37 (hg19) VCF-style: chr19-11288989-ATGGGGTGGGGGGTG-A.
Other names: c.1520+18_1520+31del (NM_001329451.2, NM_001379556.1, NM_001379555.1 and 7 more transcripts); c.1544+18_1544+31del (NM_001379548.1, NM_001379549.1, NM_001379551.1 and 5 more transcripts).
Identifiers: ClinVar variation 3615042 (VCV003615042.2).
Genomic context (GRCh38, chr19:11,178,313, plus strand): 5'-CTCAGAATGAGGTAATTAGGAGGCTCTCGTGCGTGGATGAATGGAGGAGGGGCGGGAAGT[ATGGGGTGGGGGGTG>A]GGGTCTTCTCCTCTCACCCGCCGTTGACCCCCACGAACTGGAGGCTCCTCCGGTGGGCCG-3'

ClinVar aggregate classification (germline): Uncertain significance (1 of 4 stars; one submission).

Submission:

Labcorp Genetics (formerly Invitae), Labcorp
Classification: Uncertain significance. Last evaluated: 2024-11-21. Review status: criteria provided, single submitter. Criteria: Invitae Variant Classification Sherloc (09022015). Collection method: clinical testing. Allele origin: germline.
Comment: This sequence change falls in intron 6 of the KANK2 gene. It does not directly change the encoded amino acid sequence of the KANK2 protein. This variant is not present in population databases (gnomAD no frequency). This variant has not been reported in the literature in individuals affected with KANK2-related conditions. Experimental studies and prediction algorithms are not available or were not evaluated, and the effect of this variant on mRNA splicing is currently unknown. In summary, the available evidence is currently insufficient to determine the role of this variant in disease. Therefore, it has been classified as a Variant of Uncertain Significance.